The following is an entry in ClinVar:

ClinVar aggregate classification (germline): Uncertain significance (1 of 4 stars; one submission).

Conditions:
Inborn genetic diseases. Identifiers: MedGen C0950123, MeSH D030342.

gnomAD v4.1: 1 of 1,613,744 alleles (0.000062%); highest among the groups gnomAD compares: Non-Finnish European, 0.000085%; no homozygotes.

Submission:

Ambry Genetics
Classification: Uncertain significance for Inborn genetic diseases. Last evaluated: 2026-08-18. Review status: criteria provided, single submitter. Criteria: Ambry Variant Classification Scheme 2023. Collection method: clinical testing. Allele origin: germline.
Comment: The p.D999V variant (also known as c.2996A>T), located in coding exon 31 of the FANCA gene, results from an A to T substitution at nucleotide position 2996. The aspartic acid at codon 999 is replaced by valine, an amino acid with highly dissimilar properties. This amino acid position is conserved. In addition, this alteration is predicted to be tolerated by in silico analysis. Based on the available evidence, the clinical significance of this variant remains unclear.

NM_000135.4(FANCA):c.2996A>T (p.Asp999Val)

Gene: FANCA (FA complementation group A; minus strand). Cytogenetic location: 16q24.3.
Variant type: single nucleotide variant.
Coding change: c.2996A>T on transcript NM_000135.4 (MANE Select); coding-DNA position 2996, A replaced by T.
Protein change: p.Asp999Val; replaces aspartic acid 999 with valine.
Molecular consequence: missense variant.
Genome position (GRCh38, 1-based): chr16:89,752,208, T>A on the plus strand (A>T on the coding strand, the complement: FANCA is on the minus strand). VCF-style: chr16-89752208-T-A. GRCh37 (hg19) VCF-style: chr16-89818616-T-A.
Other names: c.2996A>T, p.Asp999Val (NM_001286167.3); short protein forms D999V.
Identifiers: ClinVar variation 5036420 (VCV005036420.1).
Genomic context (GRCh38, chr16:89,752,208, plus strand): 5'-GAAATAATATCCTCATTTCCTGTGCGGCCACCAAAGACCAAATCAGAATTTTCTGAGTGG[T>A]CATAACTCCTTGAGCTGAAATGAAAATACAATAAAATCCTCCTCAGTATCGCCTAATAGT-3'
Protein context (NP_000126.2, residues 989-1009): MDFHQSSRSY[Asp999Val]HSENSDLVFG